The following is an entry in ClinVar:

NM_019594.4(LRRC8A):c.253A>T (p.Thr85Ser)

Gene: LRRC8A (leucine rich repeat containing 8 VRAC subunit A; plus strand). Cytogenetic location: 9q34.11.
Variant type: single nucleotide variant.
Coding change: c.253A>T on transcript NM_019594.4 (MANE Select); coding-DNA position 253, A replaced by T.
Protein change: p.Thr85Ser; replaces threonine 85 with serine.
Molecular consequence: missense variant.
Genome position (GRCh38, 1-based): chr9:128,907,417, A>T. VCF-style: chr9-128907417-A-T. GRCh37 (hg19) VCF-style: chr9-131669696-A-T.
Other names: c.253A>T, p.Thr85Ser (NM_001127244.2, NM_001127245.2); short protein forms T85S.
Identifiers: ClinVar variation 2810962 (VCV002810962.3), dbSNP rs2491862607, ClinGen allele CA375073208.

ClinVar aggregate classification (germline): Uncertain significance (1 of 4 stars; one submission).

Submission:

Labcorp Genetics (formerly Invitae), Labcorp
Classification: Uncertain significance. Last evaluated: 2022-10-31. Review status: criteria provided, single submitter. Criteria: Invitae Variant Classification Sherloc (09022015). Collection method: clinical testing. Allele origin: germline.
Comment: In summary, the available evidence is currently insufficient to determine the role of this variant in disease. Therefore, it has been classified as a Variant of Uncertain Significance. Algorithms developed to predict the effect of missense changes on protein structure and function output the following: SIFT: "Tolerated"; PolyPhen-2: "Benign"; Align-GVGD: "Class C0". The serine amino acid residue is found in multiple mammalian species, which suggests that this missense change does not adversely affect protein function. This variant has not been reported in the literature in individuals affected with LRRC8A-related conditions. This variant is not present in population databases (gnomAD no frequency). This sequence change replaces threonine, which is neutral and polar, with serine, which is neutral and polar, at codon 85 of the LRRC8A protein (p.Thr85Ser).